The following is an entry in ClinVar:

ClinVar aggregate classification (germline): Uncertain significance (1 of 4 stars; one submission).

Submission:

Ambry Genetics
Classification: Uncertain significance. Last evaluated: 2021-10-02. Review status: criteria provided, single submitter. Criteria: Ambry Variant Classification Scheme 2023. Collection method: clinical testing. Allele origin: germline.
Comment: The p.D303A variant (also known as c.908A>C), located in coding exon 3 of the ALPK2 gene, results from an A to C substitution at nucleotide position 908. The aspartic acid at codon 303 is replaced by alanine, an amino acid with dissimilar properties. This amino acid position is conserved. In addition, this alteration is predicted to be tolerated by in silico analysis. Since supporting evidence is limited at this time, the clinical significance of this alteration remains unclear.

NM_052947.4(ALPK2):c.908A>C (p.Asp303Ala)

Genes: ALPK2 (alpha kinase 2; minus strand), LOC114803473 (ALPK2 eExon liver enhancer; plus strand). Cytogenetic location: 18q21.31.
Variant type: single nucleotide variant.
Coding change: c.908A>C on transcript NM_052947.4 (MANE Select); coding-DNA position 908, A replaced by C.
Protein change: p.Asp303Ala; replaces aspartic acid 303 with alanine.
Molecular consequence: missense variant.
Genome position (GRCh38, 1-based): chr18:58,579,868, T>G on the plus strand (A>C on the coding strand, the complement: ALPK2 is on the minus strand). VCF-style: chr18-58579868-T-G. GRCh37 (hg19) VCF-style: chr18-56247100-T-G.
Other names: short protein forms D303A.
Identifiers: ClinVar variation 1765727 (VCV001765727.2), dbSNP rs2518899701, ClinGen allele CA402566816.